The following is an entry in ClinVar:

ClinVar aggregate classification (germline): Uncertain significance. Review status: criteria provided, multiple submitters, no conflicts (2 of 4 stars). 3 submissions from 3 submitters: Uncertain significance (3). Last evaluated 2024-06-16.

Allele frequency attached by ClinVar (database versions not stated): gnomAD 0.00001; gnomAD exomes 0.00002 and 0.00004; TOPMed 0.00002; ExAC 0.00004; 1000 Genomes Project 30x 0.00016; 1000 Genomes Project 0.00020.
gnomAD v4.1: 31 of 1,613,934 alleles (0.0019%); highest among the groups gnomAD compares: Middle Eastern, 0.016%; no homozygotes.

Submissions (3):

Ambry Genetics
Classification: Uncertain significance. Last evaluated: 2024-06-16. Review status: criteria provided, single submitter. Criteria: Ambry Variant Classification Scheme 2023. Collection method: clinical testing. Allele origin: germline.

Blueprint Genetics
Classification: Uncertain significance. Last evaluated: 2024-05-29. Review status: criteria provided, single submitter. Criteria: ACMG Guidelines, 2015. Collection method: clinical testing. Allele origin: germline.

Labcorp Genetics (formerly Invitae), Labcorp
Classification: Uncertain significance. Last evaluated: 2024-04-29. Review status: criteria provided, single submitter. Criteria: Invitae Variant Classification Sherloc (09022015). Collection method: clinical testing. Allele origin: germline.
Comment: This sequence change replaces threonine, which is neutral and polar, with methionine, which is neutral and non-polar, at codon 779 of the FCHO1 protein (p.Thr779Met). This variant is present in population databases (rs546367278, gnomAD 0.02%). This variant has not been reported in the literature in individuals affected with FCHO1-related conditions. ClinVar contains an entry for this variant (Variation ID: 1382191). Algorithms developed to predict the effect of missense changes on protein structure and function output the following: SIFT: "Not Available"; PolyPhen-2: "Benign"; Align-GVGD: "Not Available". The methionine amino acid residue is found in multiple mammalian species, which suggests that this missense change does not adversely affect protein function. In summary, the available evidence is currently insufficient to determine the role of this variant in disease. Therefore, it has been classified as a Variant of Uncertain Significance.

NM_015122.3(FCHO1):c.2336C>T (p.Thr779Met)

Gene: FCHO1 (FCH and mu domain containing endocytic adaptor 1; plus strand). Cytogenetic location: 19p13.11.
Variant type: single nucleotide variant.
Coding change: c.2336C>T on transcript NM_015122.3 (MANE Select); coding-DNA position 2336, C replaced by T.
Protein change: p.Thr779Met; replaces threonine 779 with methionine.
Molecular consequence: missense variant. On other transcripts: non-coding transcript variant (35), intron variant (5).
Genome position (GRCh38, 1-based): chr19:17,784,834, C>T. VCF-style: chr19-17784834-C-T. GRCh37 (hg19) VCF-style: chr19-17895643-C-T.
Other names: c.2336C>T, p.Thr779Met (NM_001161357.2, NM_001161358.2, NM_001384370.1 and 11 more transcripts); c.2186C>T, p.Thr729Met (NM_001161359.2, NM_001384384.1, NM_001384385.1 and 1 more transcripts); c.2315C>T, p.Thr772Met (NM_001384387.1); c.2297C>T, p.Thr766Met (NM_001384388.1, NM_001384389.1); c.2261C>T, p.Thr754Met (NM_001384390.1); c.2219C>T, p.Thr740Met (NM_001384392.1, NM_001384393.1, NM_001384394.1 and 1 more transcripts); c.2060C>T, p.Thr687Met (NM_001384396.1, NM_001384397.1, NM_001384398.1 and 4 more transcripts); c.2015C>T, p.Thr672Met (NM_001384403.1); and 6 more; short protein forms T672M, T740M, T766M, T772M, T779M, T687M, T729M, T754M.
Identifiers: ClinVar variation 1382191 (VCV001382191.8), dbSNP rs546367278, ClinGen allele CA9300841.
Genomic context (GRCh38, chr19:17,784,834, plus strand): 5'-GGCAGTGTGGAGCCACCCTCACCCAGGTCTCAGTGGAGTACGGCTACCGGCCCGGTGCCA[C>T]GGCTGTGCCCACACCACTCACGAACGTCCAGATCCTGCTGCCTGTGGGGGAGCCTGTGAC-3'
Protein context (NP_055937.1, residues 769-789): SVEYGYRPGA[Thr779Met]AVPTPLTNVQ